The following is an entry in ClinVar:

NM_005188.4(CBL):c.895C>G (p.Arg299Gly)

Gene: CBL (Cbl proto-oncogene; plus strand). Cytogenetic location: 11q23.3.
Variant type: single nucleotide variant.
Coding change: c.895C>G on transcript NM_005188.4 (MANE Select); coding-DNA position 895, C replaced by G.
Protein change: p.Arg299Gly; replaces arginine 299 with glycine.
Molecular consequence: missense variant.
Genome position (GRCh38, 1-based): chr11:119,276,022, C>G. VCF-style: chr11-119276022-C-G. GRCh37 (hg19) VCF-style: chr11-119146732-C-G.
Other names: c.895C>G (NM_005188.2); short protein forms R299G.
Identifiers: ClinVar variation 4800605 (VCV004800605.2).

ClinVar aggregate classification (germline): Uncertain significance. Review status: criteria provided, multiple submitters, no conflicts (2 of 4 stars). 2 submissions from 2 submitters: Uncertain significance (2). Last evaluated 2026-02-13.

Conditions:
RASopathy. Also called: rasopathies; Noonan spectrum disorder. Identifiers: Orphanet 536391, MedGen C5555857, MONDO:0021060.
Cardiovascular phenotype. Identifiers: MedGen CN230736.

Submissions (2):

Ambry Genetics
Classification: Uncertain significance for Cardiovascular phenotype. Last evaluated: 2026-02-13. Review status: criteria provided, single submitter. Criteria: Ambry Variant Classification Scheme 2023. Collection method: clinical testing. Allele origin: germline.
Comment: The p.R299G variant (also known as c.895C>G), located in coding exon 6 of the CBL gene, results from a C to G substitution at nucleotide position 895. The arginine at codon 299 is replaced by glycine, an amino acid with dissimilar properties. This amino acid position is conserved. In addition, this alteration is predicted to be deleterious by in silico analysis. Based on the available evidence, the clinical significance of this variant remains unclear.

Labcorp Genetics (formerly Invitae), Labcorp
Classification: Uncertain significance for RASopathy. Last evaluated: 2025-05-07. Review status: criteria provided, single submitter. Criteria: Invitae Variant Classification Sherloc (09022015). Collection method: clinical testing. Allele origin: germline.
Comment: This sequence change replaces arginine, which is basic and polar, with glycine, which is neutral and non-polar, at codon 299 of the CBL protein (p.Arg299Gly). This variant is not present in population databases (gnomAD no frequency). This variant has not been reported in the literature in individuals affected with CBL-related conditions. Invitae Evidence Modeling of protein sequence and biophysical properties (such as structural, functional, and spatial information, amino acid conservation, physicochemical variation, residue mobility, and thermodynamic stability) indicates that this missense variant is expected to disrupt CBL protein function with a positive predictive value of 95%. In summary, the available evidence is currently insufficient to determine the role of this variant in disease. Therefore, it has been classified as a Variant of Uncertain Significance.